The following is an entry in ClinVar:

ClinVar aggregate classification (germline): Uncertain significance (1 of 4 stars; one submission).

Submission:

GeneDx
Classification: Uncertain significance. Last evaluated: 2023-12-19. Review status: criteria provided, single submitter. Criteria: GeneDx Variant Classification Process June 2021. Collection method: clinical testing. Allele origin: germline. Affected: yes.
Comment: Not observed at significant frequency in large population cohorts (gnomAD); In silico analysis supports that this missense variant has a deleterious effect on protein structure/function; Has not been previously published as pathogenic or benign to our knowledge

NM_005157.6(ABL1):c.1244A>C (p.Lys415Thr)

Gene: ABL1 (ABL proto-oncogene 1, non-receptor tyrosine kinase; plus strand). Cytogenetic location: 9q34.12.
Variant type: single nucleotide variant.
Coding change: c.1244A>C on transcript NM_005157.6 (MANE Select); coding-DNA position 1244, A replaced by C.
Protein change: p.Lys415Thr; replaces lysine 415 with threonine.
Molecular consequence: missense variant.
Genome position (GRCh38, 1-based): chr9:130,875,026, A>C. VCF-style: chr9-130875026-A-C. GRCh37 (hg19) VCF-style: chr9-133750413-A-C.
Other names: c.1301A>C, p.Lys434Thr (NM_007313.3); short protein forms K415T, K434T.
Identifiers: ClinVar variation 3370019 (VCV003370019.1).